The following is an entry in ClinVar:

ClinVar aggregate classification (germline): Likely pathogenic (1 of 4 stars; one submission).

Conditions:
Cold-induced sweating syndrome. Also called: Cold-Induced Sweating Syndrome Including Crisponi Syndrome. Identifiers: Orphanet 157820, MedGen C1832409, MONDO:0015526.

Submission:

Women's Health and Genetics/Laboratory Corporation of America, LabCorp
Classification: Likely pathogenic for Cold-induced sweating syndrome. Last evaluated: 2024-01-13. Review status: criteria provided, single submitter. Criteria: LabCorp Variant Classification Summary - May 2015. Collection method: clinical testing. Allele origin: germline.
Comment: Variant summary: CRLF1 c.-131_21del152 removes 152 bp of exon 1 including partial 5' untranslated region, the initiation codon and partial 5' encoding region, and is predicted to result either in absence of the protein or truncation of the encoded protein due to translation initiation at a downstream codon. The next downstream in-frame start codon is found at Met148, and no pathogenic missense, in-frame indels or truncating variants that escape NMD upstream of Met148 have been reported in ClinVar. A initiation codon variant, c.1A>G has been evaluated Likely Pathogenic at our lab. The current variant was absent in 24576 control chromosomes. To our knowledge, no occurrence of c.-131_21del152 in individuals affected with Cold-Induced Sweating Syndrome and no experimental evidence demonstrating its impact on protein function have been reported. No submitters have cited clinical-significance assessments for this variant to ClinVar. Based on the evidence outlined above, the variant was classified as Likely Pathogenic.

NM_004750.5(CRLF1):c.-131_21del (p.Met1fs)

Gene: CRLF1 (cytokine receptor like factor 1; minus strand). Cytogenetic location: 19p13.11.
Variant type: Deletion.
Coding change: c.-131_21del on transcript NM_004750.5 (MANE Select); 131 bases upstream of the start codon through coding-DNA position 21, 152 bases deleted.
Protein change: p.Met1fs; shifts the reading frame from methionine 1.
Molecular consequence: frameshift variant, initiator codon variant.
Genome position (GRCh38, 1-based): chr19:18,606,636-18,606,787, 152 bases deleted. GRCh37 (hg19): chr19:18,717,446-18,717,597.
Other names: c.-131_21del152 (NM_004750.5); short protein forms M1fs.
Identifiers: ClinVar variation 3063901 (VCV003063901.1), dbSNP rs2513397377, ClinGen allele CA2740091977.